The following is an entry in ClinVar:

ClinVar aggregate classification (germline): Benign. Review status: criteria provided, multiple submitters, no conflicts (2 of 4 stars). 7 submissions from 7 submitters: Benign (7). Last evaluated 2026-02-04.

Allele frequency attached by ClinVar (database versions not stated): 1000 Genomes Project 0.01178; gnomAD 0.02451 and 0.02368; 1000 Genomes Project 30x 0.01202; gnomAD exomes 0.02463; ExAC 0.02481; TOPMed 0.02084; ESP Exome Variant Server 0.02550.
gnomAD v4.1: 52,222 of 1,609,416 alleles (3.2%); highest among the groups gnomAD compares: Non-Finnish European, 3.8%; 1,016 homozygotes.

Submissions (7):

Labcorp Genetics (formerly Invitae), Labcorp
Classification: Benign. Last evaluated: 2026-02-04. Review status: criteria provided, single submitter. Criteria: Invitae Variant Classification Sherloc (09022015). Collection method: clinical testing. Allele origin: germline.

Women's Health and Genetics/Laboratory Corporation of America, LabCorp
Classification: Benign. Last evaluated: 2021-12-10. Review status: criteria provided, single submitter. Criteria: LabCorp Variant Classification Summary - May 2015. Collection method: clinical testing. Allele origin: germline.

Athena Diagnostics
Classification: Benign. Last evaluated: 2019-04-18. Review status: criteria provided, single submitter. Criteria: Athena Diagnostics Criteria. Collection method: clinical testing. Allele origin: germline.

GeneDx
Classification: Benign. Last evaluated: 2018-01-11. Review status: criteria provided, single submitter. Criteria: GeneDx Variant Classification (06012015). Collection method: clinical testing. Allele origin: germline. Affected: yes.
Comment: This variant is considered likely benign or benign based on one or more of the following criteria: it is a conservative change, it occurs at a poorly conserved position in the protein, it is predicted to be benign by multiple in silico algorithms, and/or has population frequency not consistent with disease.

Laboratory for Molecular Medicine, Mass General Brigham Personalized Medicine
Classification: Benign. Last evaluated: 2014-11-24. Review status: criteria provided, single submitter. Criteria: LMM Criteria. Collection method: clinical testing. Allele origin: germline. Observed: 70 variant alleles.
Comment: Ser101Ser in exon 4 of CIB2: This variant is not expected to have clinical signi ficance because it does not alter an amino acid residue and is not located withi n the splice consensus sequence. It has been identified in 3.6% (308/8586) of Eu ropean American chromosomes from a broad population by the NHLBI Exome Sequencin g Project (dbSNP rs77370542).

Breakthrough Genomics
Classification: Benign. Review status: criteria provided, single submitter. Criteria: ACMG Guidelines, 2015. Collection method: not provided. Allele origin: germline. Inheritance: Autosomal recessive inheritance. Affected: yes.

PreventionGenetics, part of Exact Sciences
Classification: Benign. Review status: criteria provided, single submitter. Criteria: ACMG Guidelines, 2015. Collection method: clinical testing. Allele origin: germline.

NM_006383.4(CIB2):c.303G>A (p.Ser101=)

Gene: CIB2 (calcium and integrin binding family member 2; minus strand). Cytogenetic location: 15q25.1.
Variant type: single nucleotide variant.
Coding change: c.303G>A on transcript NM_006383.4 (MANE Select); coding-DNA position 303, G replaced by A.
Protein change: p.Ser101=; no amino-acid change (serine 101 retained).
Molecular consequence: synonymous variant. On other transcripts: non-coding transcript variant (1).
Genome position (GRCh38, 1-based): chr15:78,109,278, C>T on the plus strand (G>A on the coding strand, the complement: CIB2 is on the minus strand). VCF-style: chr15-78109278-C-T. GRCh37 (hg19) VCF-style: chr15-78401620-C-T.
Other names: c.174G>A, p.Ser58= (NM_001271888.2); c.156G>A, p.Ser52= (NM_001271889.2); c.318G>A, p.Ser106= (NM_001301224.2).
Identifiers: ClinVar variation 226515 (VCV000226515.16), dbSNP rs77370542, ClinGen allele CA7680241.